The following is an entry in ClinVar:

NM_170606.3(KMT2C):c.8422G>A (p.Asp2808Asn)

Gene: KMT2C (lysine methyltransferase 2C; minus strand). Cytogenetic location: 7q36.1.
Variant type: single nucleotide variant.
Coding change: c.8422G>A on transcript NM_170606.3 (MANE Select); coding-DNA position 8422, G replaced by A.
Protein change: p.Asp2808Asn; replaces aspartic acid 2808 with asparagine.
Molecular consequence: missense variant.
Genome position (GRCh38, 1-based): chr7:152,177,031, C>T on the plus strand (G>A on the coding strand, the complement: KMT2C is on the minus strand). VCF-style: chr7-152177031-C-T. GRCh37 (hg19) VCF-style: chr7-151874116-C-T.
Other names: short protein forms D2808N.
Identifiers: ClinVar variation 5037171 (VCV005037171.1).

ClinVar aggregate classification (germline): Uncertain significance (1 of 4 stars; one submission).

gnomAD v4.1: 1 of 1,613,244 alleles (0.000062%); highest among the groups gnomAD compares: African/African-American, 0.0013%; no homozygotes.

Submission:

GeneDx
Classification: Uncertain significance. Last evaluated: 2026-04-14. Review status: criteria provided, single submitter. Criteria: GeneDx Variant Classification Process June 2021. Collection method: clinical testing. Allele origin: germline.
Comment: Not observed at significant frequency in large population cohorts (gnomAD); In silico analysis supports that this missense variant has a deleterious effect on protein structure/function; Has not been previously published as pathogenic or benign to our knowledge